The following is an entry in ClinVar:

NC_000002.12:g.(?_178804532)_(178804662_?)del

Gene: TTN (titin; minus strand). Cytogenetic location: 2q31.2.
Variant type: Deletion.
Identifiers: ClinVar variation 584040 (VCV000584040.2).

ClinVar aggregate classification (germline): Uncertain significance (1 of 4 stars; one submission).

Conditions:
Autosomal recessive limb-girdle muscular dystrophy type 2J (LGMDR10). Also called: Limb-girdle muscular dystrophy, type 2J; MUSCULAR DYSTROPHY, LIMB-GIRDLE, AUTOSOMAL RECESSIVE 10. Identifiers: Orphanet 140922, MedGen C1837342, MONDO:0012127, OMIM 608807.
Dilated cardiomyopathy 1G (CMD1G). Identifiers: Orphanet 154, MedGen C1858763, MONDO:0011400, OMIM 604145.

Submission:

Labcorp Genetics (formerly Invitae), Labcorp
Classification: Uncertain significance for Dilated cardiomyopathy 1G; Limb-girdle muscular dystrophy, type 2J. Last evaluated: 2018-02-23. Review status: criteria provided, single submitter. Criteria: Invitae Variant Classification Sherloc (09022015). Collection method: clinical testing. Allele origin: germline.
Comment: This variant is a gross deletion of the genomic region encompassing exon 2 of the TTN gene, which includes the initiator codon. The 5' end of this event is unknown as it may extend beyond the assayed region for this gene and therefore may encompass additional genes. The 3' boundary is likely confined to intron 2 of the TTN gene. While it is expected to result in an absent or disrupted protein product, alternate in-frame methionines downstream of the initiator codon could potentially rescue the translation initiation. This variant has not been reported in the literature in individuals with TTN-related disease. This variant identified in the TTN gene is located in the Z band of the resulting protein (PMID: 25589632). It is unclear how this variant impacts the function of this protein. In summary, although this is a novel truncating variant, truncating variantsÂ¬â€ in this region of the TTN geneÂ¬â€ have been shown to be highly prevalent in the TTN gene in the general population and unaffected individuals (PMID: 26701604, 22335739). However, truncating mutations in this region have also been reported to cause autosomal recessive congenital myopathy (PMID: 23975875). Therefore without additional functional and/or genetic data, this variant has been classified as a Variant of Uncertain Significance.

Literature cited by the submitters: PubMed 26701604; PubMed 25589632; PubMed 23975875; PubMed 22335739.